The following is an entry in ClinVar:

NM_001267550.2(TTN):c.66228G>A (p.Trp22076Ter)

Genes: TTN-AS1 (TTN antisense RNA 1; plus strand), TTN (titin; minus strand). Cytogenetic location: 2q31.2.
Variant type: single nucleotide variant.
Coding change: c.66228G>A on transcript NM_001267550.2 (MANE Select); coding-DNA position 66228, G replaced by A.
Protein change: p.Trp22076Ter; replaces tryptophan 22076 with a stop codon.
Molecular consequence: nonsense.
Genome position (GRCh38, 1-based): chr2:178,582,141, C>T on the plus strand (G>A on the coding strand, the complement: TTN is on the minus strand). VCF-style: chr2-178582141-C-T. GRCh37 (hg19) VCF-style: chr2-179446868-C-T.
Other names: c.61305G>A, p.Trp20435Ter (NM_001256850.1); c.39033G>A, p.Trp13011Ter (NM_003319.4); c.58524G>A, p.Trp19508Ter (NM_133378.4); c.39408G>A, p.Trp13136Ter (NM_133432.3); c.39609G>A, p.Trp13203Ter (NM_133437.4); c.66228G>A (NM_001267550.1); short protein forms W20435*, W22076*, W13011*, W19508*, W13136*, W13203*.
Identifiers: ClinVar variation 430568 (VCV000430568.5), dbSNP rs1131692031, ClinGen allele CA349429589.

ClinVar aggregate classification (germline): Likely pathogenic. Review status: criteria provided, multiple submitters, no conflicts (2 of 4 stars). 2 submissions from 2 submitters: Likely pathogenic (2). Last evaluated 2025-10-10.

Conditions:
Dilated cardiomyopathy 1G (CMD1G). Identifiers: Orphanet 154, MedGen C1858763, MONDO:0011400, OMIM 604145.
Autosomal recessive limb-girdle muscular dystrophy type 2J (LGMDR10). Also called: Limb-girdle muscular dystrophy, type 2J; MUSCULAR DYSTROPHY, LIMB-GIRDLE, AUTOSOMAL RECESSIVE 10. Identifiers: Orphanet 140922, MedGen C1837342, MONDO:0012127, OMIM 608807.

Allele frequency attached by ClinVar (database versions not stated): gnomAD exomes below 0.00001.
gnomAD v4.1: 2 of 1,612,642 alleles (0.00012%); highest among the groups gnomAD compares: Non-Finnish European, 0.00017%; no homozygotes.

Submissions (2):

Labcorp Genetics (formerly Invitae), Labcorp
Classification: Likely pathogenic for Dilated cardiomyopathy 1G; Autosomal recessive limb-girdle muscular dystrophy type 2J. Last evaluated: 2025-10-10. Review status: criteria provided, single submitter. Criteria: Invitae Variant Classification Sherloc (09022015). Collection method: clinical testing. Allele origin: germline.
Comment: This sequence change creates a premature translational stop signal (p.Trp22076*) in the TTN gene. While this is not anticipated to result in nonsense mediated decay, it is expected to create a truncated TTN protein. This variant is not present in population databases (gnomAD no frequency). This variant has not been reported in the literature in individuals affected with TTN-related conditions. ClinVar contains an entry for this variant (Variation ID: 430568). This variant is located in the A band of TTN (PMID: 25589632). Truncating variants in this region are significantly overrepresented in patients affected with dilated cardiomyopathy (PMID: 25589632). Truncating variants in this region have also been reported in individuals affected with autosomal recessive centronuclear myopathy (PMID: 23975875). In summary, the currently available evidence indicates that the variant is pathogenic, but additional data are needed to prove that conclusively. Therefore, this variant has been classified as Likely Pathogenic.

GeneDx
Classification: Likely pathogenic. Last evaluated: 2023-02-17. Review status: criteria provided, single submitter. Criteria: GeneDx Variant Classification Process June 2021. Collection method: clinical testing. Allele origin: germline. Affected: yes.
Comment: Nonsense variant predicted to result in protein truncation or nonsense mediated decay in a gene for which loss of function is a known mechanism of disease; Located in the A-band region of TTN in which the majority of loss of function variants have been associated with autosomal dominant titinopathies (Herman et al., 2012); Not observed at significant frequency in large population cohorts (gnomAD); Has not been previously published as pathogenic or benign to our knowledge; This variant is associated with the following publications: (PMID: 22335739)

Literature cited by the submitters: PubMed 25589632 (cited by Labcorp Genetics (formerly Invitae), Labcorp); PubMed 23975875 (cited by Labcorp Genetics (formerly Invitae), Labcorp).